The following is an entry in ClinVar:

ClinVar aggregate classification (germline): Uncertain significance (1 of 4 stars; one submission).

Conditions:
Surfactant metabolism dysfunction, pulmonary, 4 (SMDP4). Also called: PAP DUE TO CSF2RA DEFICIENCY; PULMONARY ALVEOLAR PROTEINOSIS, CONGENITAL, 4; CSF2RA DEFICIENCY. Identifiers: Orphanet 264675, MedGen C2677877, MONDO:0010424, OMIM 300770.

Submission:

Labcorp Genetics (formerly Invitae), Labcorp
Classification: Uncertain significance for Surfactant metabolism dysfunction, pulmonary, 4. Last evaluated: 2024-10-28. Review status: criteria provided, single submitter. Criteria: Invitae Variant Classification Sherloc (09022015). Collection method: clinical testing. Allele origin: germline.
Comment: This sequence change replaces serine, which is neutral and polar, with arginine, which is basic and polar, at codon 7 of the CSF2RA protein (p.Ser7Arg). This variant is not present in population databases (gnomAD no frequency). This variant has not been reported in the literature in individuals affected with CSF2RA-related conditions. ClinVar contains an entry for this variant (Variation ID: 948700). Experimental studies and prediction algorithms are not available or were not evaluated, and the functional significance of this variant is currently unknown. In summary, the available evidence is currently insufficient to determine the role of this variant in disease. Therefore, it has been classified as a Variant of Uncertain Significance.

NM_172245.4(CSF2RA):c.21C>A (p.Ser7Arg)

Gene: CSF2RA (colony stimulating factor 2 receptor subunit alpha; plus strand). Cytogenetic location: Xp22.33.
Variant type: single nucleotide variant.
Coding change: c.21C>A on transcript NM_172245.4 (MANE Select); coding-DNA position 21, C replaced by A.
Protein change: p.Ser7Arg; replaces serine 7 with arginine.
Molecular consequence: missense variant. On other transcripts: 5 prime UTR variant (1), non-coding transcript variant (1).
Genome position (GRCh38, 1-based): chrX:1,282,724, C>A. VCF-style: chrX-1282724-C-A. GRCh37 (hg19) VCF-style: chrX-1401617-C-A.
Other names: c.21C>A, p.Ser7Arg (NM_001161529.2, NM_001161530.2, NM_001161531.2 and 20 more transcripts); c.-236C>A (NM_001161532.2); short protein forms S7R.
Identifiers: ClinVar variation 948700 (VCV000948700.9), dbSNP rs2090190168, ClinGen allele CA412234371.